The following is an entry in ClinVar:

NM_003737.4(DCHS1):c.4825C>T (p.Arg1609Cys)

Gene: DCHS1 (dachsous cadherin-related 1; minus strand). Cytogenetic location: 11p15.4.
Variant type: single nucleotide variant.
Coding change: c.4825C>T on transcript NM_003737.4 (MANE Select); coding-DNA position 4825, C replaced by T.
Protein change: p.Arg1609Cys; replaces arginine 1609 with cysteine.
Molecular consequence: missense variant.
Genome position (GRCh38, 1-based): chr11:6,629,882, G>A on the plus strand (C>T on the coding strand, the complement: DCHS1 is on the minus strand). VCF-style: chr11-6629882-G-A. GRCh37 (hg19) VCF-style: chr11-6651113-G-A.
Other names: short protein forms R1609C.
Identifiers: ClinVar variation 4976120 (VCV004976120.1).

ClinVar aggregate classification (germline): Uncertain significance (1 of 4 stars; one submission).

gnomAD v4.1: 9 of 1,612,708 alleles (0.00056%); highest among the groups gnomAD compares: Admixed American, 0.0017%; no homozygotes.

Submission:

GeneDx
Classification: Uncertain significance. Last evaluated: 2026-02-03. Review status: criteria provided, single submitter. Criteria: GeneDx Variant Classification Process June 2021. Collection method: clinical testing. Allele origin: germline.
Comment: Not observed at significant frequency in large population cohorts (gnomAD); In silico analysis supports that this missense variant has a deleterious effect on protein structure/function; Has not been previously published as pathogenic or benign to our knowledge